The following is an entry in ClinVar:

NM_032043.3(BRIP1):c.122A>G (p.His41Arg)

Gene: BRIP1 (BRCA1 interacting DNA helicase 1; minus strand). Cytogenetic location: 17q23.2.
Variant type: single nucleotide variant.
Coding change: c.122A>G on transcript NM_032043.3 (MANE Select); coding-DNA position 122, A replaced by G.
Protein change: p.His41Arg; replaces histidine 41 with arginine.
Molecular consequence: missense variant.
Genome position (GRCh38, 1-based): chr17:61,859,879, T>C on the plus strand (A>G on the coding strand, the complement: BRIP1 is on the minus strand). VCF-style: chr17-61859879-T-C. GRCh37 (hg19) VCF-style: chr17-59937240-T-C.
Other names: short protein forms H41R.
Identifiers: ClinVar variation 818649 (VCV000818649.5), dbSNP rs1253714284, ClinGen allele CA400485824.
Genomic context (GRCh38, chr17:61,859,879, plus strand): 5'-AAAGCAGAACAAAGTAAGGCTAAGCTTTTTCCACTTCCTGTGGGACTCTCCAACAAACAA[T>C]GTTGCTTGCTGTTTAATCCTCTGAGAATCTATGAACACAGAAACCAATGAAAATAATAAA-3'
Protein context (NP_114432.2, residues 31-51): SILRGLNSKQ[His41Arg]CLLESPTGSG

ClinVar aggregate classification (germline): Uncertain significance. Review status: criteria provided, multiple submitters, no conflicts (2 of 4 stars). 2 submissions from 2 submitters: Uncertain significance (2). Last evaluated 2023-06-14.

Conditions:
Hereditary cancer-predisposing syndrome. Also called: Neoplastic Syndromes, Hereditary; Tumor predisposition; Hereditary Cancer Syndrome; Hereditary neoplastic syndrome. Identifiers: Orphanet 140162, MedGen C0027672, MeSH D009386, MONDO:0015356.

Allele frequency attached by ClinVar (database versions not stated): gnomAD exomes below 0.00001; gnomAD 0.00001.
gnomAD v4.1: 3 of 1,613,236 alleles (0.00019%); highest among the groups gnomAD compares: Non-Finnish European, 0.000085%; no homozygotes.

Submissions (2):

Blueprint Genetics
Classification: Uncertain significance. Last evaluated: 2023-06-14. Review status: criteria provided, single submitter. Criteria: ACMG Guidelines, 2015. Collection method: clinical testing. Allele origin: germline.

Ambry Genetics
Classification: Uncertain significance for Hereditary cancer-predisposing syndrome. Last evaluated: 2019-06-11. Review status: criteria provided, single submitter. Criteria: Ambry Variant Classification Scheme 2023. Collection method: clinical testing. Allele origin: germline.
Comment: The p.H41R variant (also known as c.122A>G), located in coding exon 2 of the BRIP1 gene, results from an A to G substitution at nucleotide position 122. The histidine at codon 41 is replaced by arginine, an amino acid with highly similar properties. This amino acid position is highly conserved in available vertebrate species. In addition, this alteration is predicted to be deleterious by in silico analysis. Since supporting evidence is limited at this time, the clinical significance of this alteration remains unclear.